The following is an entry in ClinVar:

NM_000038.6(APC):c.1312+5G>C

Gene: APC (APC regulator of Wnt signaling pathway; plus strand). Cytogenetic location: 5q22.2.
Variant type: single nucleotide variant.
Coding change: c.1312+5G>C on transcript NM_000038.6 (MANE Select); 5 bases into the intron after coding-DNA position 1312, G replaced by C.
Molecular consequence: intron variant.
Genome position (GRCh38, 1-based): chr5:112,819,349, G>C. VCF-style: chr5-112819349-G-C. GRCh37 (hg19) VCF-style: chr5-112155046-G-C.
Other names: c.1312+5G>C (NM_001354895.2, NM_001127510.3, NM_001354896.2); c.1342+5G>C (NM_001354897.2); c.1039+5G>C (NM_001354902.2); c.1258+5G>C (NM_001127511.3); c.1237+5G>C (NM_001354898.2); c.934+5G>C (NM_001354904.2); c.463+5G>C (NM_001354906.2); c.1009+5G>C (NM_001354903.2); and 3 more.
Identifiers: ClinVar variation 265372 (VCV000265372.16), dbSNP rs886039507, ClinGen allele CA10588378.

ClinVar aggregate classification (germline): Likely pathogenic. Review status: reviewed by expert panel (3 of 4 stars). 5 submissions from 5 submitters: Likely pathogenic (1). 4 of the submissions do not count toward it. Last evaluated 2025-05-16.

Conditions:
Hereditary cancer-predisposing syndrome. Also called: Neoplastic Syndromes, Hereditary; Hereditary Cancer Syndrome; Tumor predisposition; Hereditary neoplastic syndrome. Identifiers: Orphanet 140162, MedGen C0027672, MeSH D009386, MONDO:0015356.
Familial adenomatous polyposis 1 (FAP1). Also called: FAMILIAL ADENOMATOUS POLYPOSIS 1, ATTENUATED; POLYPOSIS, ADENOMATOUS INTESTINAL. Identifiers: MedGen C2713442, MONDO:0021056, OMIM 175100. Disease mechanism: loss of function.

Submissions (5):

ClinGen InSiGHT Hereditary Colorectal Cancer/Polyposis Variant Curation Expert Panel
Classification: Likely pathogenic for Familial adenomatous polyposis 1. Last evaluated: 2025-05-16. Review status: reviewed by expert panel. Criteria: ClinGen InSiGHT HCCP VCEP ACMG Specifications APC V1. Collection method: curation. Allele origin: germline. Inheritance: Autosomal dominant inheritance.
Comment: The NM_000038.6(APC):c.1312+5G>C variant in APC is an intronic variant which is located at the 5th nucleotide in intron 10. This variant has been reported in 3 probands meeting phenotypic criteria, resulting in a total phenotype score of 2.5 points (PS4_Moderate, Ambry Genetics, GeneDx, Invitae internal data). This variant is absent from gnomAD v2.1.1 (PM2_Supporting). The results from two in silico splicing predictors (SpliceAI and MaxEntScan) indicate that this variant may affect splicing by disrupting the donor splice site of intron 10 of APC (PP3). Moreover, this variant has similar in silico predictions compared to another non-canonical splicing variant at that same nucleotide position (c.1312+5G>A) which is classified as Likely Pathogenic for FAP by the ClinGen InSiGHT Hereditary Colorectal Cancer/Polyposis VCEP (HCCP VCEP) (PS1_Moderate). In summary, this variant meets the criteria to be classified as Likely Pathogenic for FAP based on the ACMG/AMP criteria applied, as specified by the HCCP VCEP: PP3, PS1_Moderate, PS4_Moderate, PM2_Supporting (VCEP specifications version 2.1.0; date of approval: 11/24/2023).

Myriad Genetics, Inc.
Classification: Likely pathogenic for Familial adenomatous polyposis 1. Last evaluated: 2026-02-25. Review status: criteria provided, single submitter. Criteria: Myriad Autosomal Dominant, Autosomal Recessive and X-Linked Classification Criteria (2023). Collection method: clinical testing. Allele origin: unknown. Not counted in ClinVar's aggregate classification.
Comment: This variant is considered likely pathogenic. This variant has shown to segregate with cancer in one or more families [PMID: 8125478]. mRNA analysis has demonstrated abnormal mRNA splicing occurs [PMID: 8125478, 15833136].

Labcorp Genetics (formerly Invitae), Labcorp
Classification: Likely pathogenic for Familial adenomatous polyposis 1. Last evaluated: 2023-09-25. Review status: criteria provided, single submitter. Criteria: Invitae Variant Classification Sherloc (09022015). Collection method: clinical testing. Allele origin: germline. Not counted in ClinVar's aggregate classification.
Comment: This sequence change falls in intron 10 of the APC gene. It does not directly change the encoded amino acid sequence of the APC protein. It affects a nucleotide within the consensus splice site. In summary, the currently available evidence indicates that the variant is pathogenic, but additional data are needed to prove that conclusively. Therefore, this variant has been classified as Likely Pathogenic. This variant is not present in population databases (gnomAD no frequency). This variant has been observed in individual(s) with clinical features of familial adenomatous polyposis (PMID: 23159591). ClinVar contains an entry for this variant (Variation ID: 265372). Variants that disrupt the consensus splice site are a relatively common cause of aberrant splicing (PMID: 17576681, 9536098). Algorithms developed to predict the effect of sequence changes on RNA splicing suggest that this variant may disrupt the consensus splice site. This variant disrupts the c.1312+5G nucleotide in the APC gene. Other variant(s) that disrupt this nucleotide have been determined to be pathogenic (PMID: 15459959, 20223039, 22987206). This suggests that this nucleotide is clinically significant, and that variants that disrupt this position are likely to be disease-causing.

Ambry Genetics
Classification: Pathogenic for Hereditary cancer-predisposing syndrome. Last evaluated: 2020-09-21. Review status: criteria provided, single submitter. Criteria: Ambry Variant Classification Scheme 2023. Collection method: clinical testing. Allele origin: germline. Not counted in ClinVar's aggregate classification.
Comment: The c.1312+5G>C intronic pathogenic mutation results from a G to C substitution 5 nucleotides after coding exon 9 in the APC gene. This alteration has been reported in multiple individuals with personal and/or family history consistent with Familial Adenomatous Polyposis (FAP) and /or Attenuated FAP (AFAP) (Ambry internal data, Kerr SE. J Mol Diagn . 2013 Jan;15(1):31-43). A close match alteration, designated as IVS9+5G>A, has been reported in a patient with multiple small polyps in the right colon and was reported as confirmed de novo via familial testing in this patient (Mihalatos M et al. BMC Cancer, 2005 Apr;5:40). In silico splice site analysis predicts that this alteration may weaken the native splice donor site. Further, multiple other pathogenic alterations have been reported at this splice junction, including c.1312+3A>G and c.1312+5G>A. Based on the supporting evidence, this alteration is interpreted as a disease-causing mutation.

GeneDx
Classification: Likely pathogenic. Last evaluated: 2016-05-12. Review status: criteria provided, single submitter. Criteria: GeneDx Variant Classification (06012015). Collection method: clinical testing. Allele origin: germline. Affected: yes. Not counted in ClinVar's aggregate classification.
Comment: This variant is denoted APC c.1312+5G>C or IVS10+5G>C and consists of a G>C nucleotide substitution at the +5 position of intron 10 of the APC gene. Multiple in silico models predict this variant to destroy the nearby natural donor site and to possibly cause abnormal gene splicing; however, in the absence of RNA or functional studies, the actual effect of this variant is unknown. Importantly, two other variants impacting the same nucleotide, APC c.1312+5G>A and c.1312+5G>T, have both been shown in RNA based assays to result in skipping of exon 10, also published as exon 9, resulting in a frameshift and a subsequent premature stop codon (Mihalatos 2005, Varesco 1994). This variant, APC c.1312+5G>C, has been observed in one individual undergoing APC testing at a clinical laboratory (Kerr 2013). APC c.1312+5G>C was not observed in approximately 6,500 individuals of European and African American ancestry in the NHLBI Exome Sequencing Project, suggesting it is not a common benign variant in these populations. The guanine (G) nucleotide that is altered is conserved across species. Based on the currently available information, we consider APC c.1312+5G>C to be a likely pathogenic variant.

Literature cited by the submitters: PubMed 8125478 (cited by Myriad Genetics, Inc.); PubMed 15833136 (cited by Myriad Genetics, Inc. and Ambry Genetics); PubMed 23159591 (cited by Labcorp Genetics (formerly Invitae), Labcorp); PubMed 17576681 (cited by Labcorp Genetics (formerly Invitae), Labcorp); PubMed 9536098 (cited by Labcorp Genetics (formerly Invitae), Labcorp); PubMed 15459959 (cited by Labcorp Genetics (formerly Invitae), Labcorp); PubMed 20223039 (cited by Labcorp Genetics (formerly Invitae), Labcorp); PubMed 22987206 (cited by Labcorp Genetics (formerly Invitae), Labcorp).